The following is an entry in ClinVar:

NM_007294.4(BRCA1):c.4757A>C (p.Glu1586Ala)

Gene: BRCA1 (BRCA1 DNA repair associated; minus strand). Cytogenetic location: 17q21.31.
Variant type: single nucleotide variant.
Coding change: c.4757A>C on transcript NM_007294.4 (MANE Select); coding-DNA position 4757, A replaced by C.
Protein change: p.Glu1586Ala; replaces glutamic acid 1586 with alanine.
Molecular consequence: missense variant. On other transcripts: intron variant (1).
Genome position (GRCh38, 1-based): chr17:43,071,157, T>G on the plus strand (A>C on the coding strand, the complement: BRCA1 is on the minus strand). VCF-style: chr17-43071157-T-G. GRCh37 (hg19) VCF-style: chr17-41223174-T-G.
Other names: c.4628A>C, p.Glu1543Ala (NM_001407683.1, NM_001407685.1, NM_001407686.1 and 6 more transcripts); c.4757A>C, p.Glu1586Ala (NM_001407684.1, NM_001407652.1, NM_001407854.1 and 8 more transcripts); c.4625A>C, p.Glu1542Ala (NM_001407690.1, NM_001407691.1); c.4616A>C, p.Glu1539Ala (NM_001407692.1, NM_001407694.1, NM_001407695.1 and 13 more transcripts); c.4541A>C, p.Glu1514Ala (NM_001407915.1, NM_001407916.1, NM_001407917.1 and 1 more transcripts); c.4634A>C, p.Glu1545Ala (NM_001407919.1, NM_001407664.1, NM_001407665.1 and 6 more transcripts); c.4493A>C, p.Glu1498Ala (NM_001407920.1, NM_001407921.1, NM_001407922.1 and 4 more transcripts); c.4748A>C, p.Glu1583Ala (NM_001407645.1, NM_001407644.1); and 71 more; short protein forms E1475A, E1539A, E1567A, E1582A, E1583A, E1586A, E1606A, E315A.
Identifiers: ClinVar variation 5033211 (VCV005033211.1).

ClinVar aggregate classification (germline): Uncertain significance (1 of 4 stars; one submission).

Conditions:
Hereditary cancer-predisposing syndrome. Also called: Neoplastic Syndromes, Hereditary; Tumor predisposition; Hereditary neoplastic syndrome; Hereditary Cancer Syndrome. Identifiers: Orphanet 140162, MedGen C0027672, MeSH D009386, MONDO:0015356.

gnomAD v4.1: 1 of 1,614,110 alleles (0.000062%); highest among the groups gnomAD compares: African/African-American, 0.0013%; no homozygotes.

Submission:

Ambry Genetics
Classification: Uncertain significance for Hereditary cancer-predisposing syndrome. Last evaluated: 2026-08-31. Review status: criteria provided, single submitter. Criteria: Ambry Variant Classification Scheme 2023. Collection method: clinical testing. Allele origin: germline.
Comment: The p.E1586A variant (also known as c.4757A>C), located in coding exon 14 of the BRCA1 gene, results from an A to C substitution at nucleotide position 4757. The glutamic acid at codon 1586 is replaced by alanine, an amino acid with dissimilar properties. This amino acid position is not well conserved in available vertebrate species. In addition, the in silico prediction for this alteration is inconclusive. Based on the available evidence, the clinical significance of this variant remains unclear.